The following is an entry in ClinVar:

ClinVar aggregate classification (germline): Uncertain significance (1 of 4 stars; one submission).

Conditions:
Joubert syndrome 21 (JBTS21). Identifiers: MedGen C3810212, MONDO:0014288, OMIM 615636.

Allele frequency attached by ClinVar (database versions not stated): gnomAD exomes below 0.00001; ExAC 0.00001.
gnomAD v4.1: 3 of 1,613,406 alleles (0.00019%); highest among the groups gnomAD compares: South Asian, 0.0022%; no homozygotes.

Submission:

Labcorp Genetics (formerly Invitae), Labcorp
Classification: Uncertain significance for Joubert syndrome 21. Last evaluated: 2022-03-10. Review status: criteria provided, single submitter. Criteria: Invitae Variant Classification Sherloc (09022015). Collection method: clinical testing. Allele origin: germline.
Comment: In summary, the available evidence is currently insufficient to determine the role of this variant in disease. Therefore, it has been classified as a Variant of Uncertain Significance. Experimental studies and prediction algorithms are not available or were not evaluated, and the functional significance of this variant is currently unknown. ClinVar contains an entry for this variant (Variation ID: 1044914). This variant has not been reported in the literature in individuals affected with CSPP1-related conditions. This variant is present in population databases (rs768356971, gnomAD 0.003%). This sequence change affects the initiator methionine of the CSPP1 mRNA. The next in-frame methionine is located at codon 37.

NM_001382391.1(CSPP1):c.-149T>A

Gene: CSPP1 (centrosome and spindle pole associated protein 1; plus strand). Cytogenetic location: 8q13.1.
Variant type: single nucleotide variant.
Coding change: c.-149T>A on transcript NM_001382391.1 (MANE Select); 149 bases upstream of the start codon, T replaced by A.
Molecular consequence: 5 prime UTR variant. On other transcripts: missense variant (3), initiator codon variant (2).
Genome position (GRCh38, 1-based): chr8:67,064,400, T>A. VCF-style: chr8-67064400-T-A. GRCh37 (hg19) VCF-style: chr8-67976635-T-A.
Other names: c.-149T>A (NM_001363131.2, NM_001363132.2, NM_001363133.2); c.2T>A, p.Met1Lys (NM_001364869.1, NM_001364870.1, NM_024790.7); short protein forms M1K.
Identifiers: ClinVar variation 1044914 (VCV001044914.9), dbSNP rs768356971, ClinGen allele CA4770037.
Genomic context (GRCh38, chr8:67,064,400, plus strand): 5'-GGCGAAGGGCGAGCGGAGGGCTGGGCCTGAGGGGCGGAGCCCCGGCCCGGAGGTCTGTCA[T>A]GCTGTTCCCGCTCCAGGTGGCCGCTGTAACCTCTTCGGTCCGCGACGATCCTCTAGAGCA-3'